The following is an entry in ClinVar:

ClinVar aggregate classification (germline): Conflicting classifications of pathogenicity. Review status: criteria provided, conflicting classifications (1 of 4 stars). 4 submissions from 4 submitters: Uncertain significance (1); Likely benign (3). Last evaluated 2025-06-02.

Conditions:
TBC1D8B-related disorder. Also called: TBC1D8B-related condition.

Allele frequency attached by ClinVar (database versions not stated): ExAC 0.00010; gnomAD exomes 0.00010; 1000 Genomes Project 0.00026; ESP Exome Variant Server 0.00028; gnomAD 0.00033; 1000 Genomes Project 30x 0.00042; TOPMed 0.00049.
gnomAD v4.1: 171 of 1,209,849 alleles (0.014%); highest among the groups gnomAD compares: Admixed American, 0.061%; no homozygotes.

Submissions (4):

PreventionGenetics, part of Exact Sciences
Classification: Likely benign for TBC1D8B-related condition. Last evaluated: 2025-06-02. Review status: criteria provided, single submitter. Criteria: ACMG Guidelines, 2015. Collection method: clinical testing. Allele origin: germline.
Comment: This variant is classified as likely benign based on ACMG/AMP sequence variant interpretation guidelines (Richards et al. 2015 PMID: 25741868, with internal and published modifications).

Labcorp Genetics (formerly Invitae), Labcorp
Classification: Uncertain significance. Last evaluated: 2024-08-21. Review status: criteria provided, single submitter. Criteria: Invitae Variant Classification Sherloc (09022015). Collection method: clinical testing. Allele origin: germline.
Comment: This sequence change replaces isoleucine, which is neutral and non-polar, with leucine, which is neutral and non-polar, at codon 1016 of the TBC1D8B protein (p.Ile1016Leu). This variant is present in population databases (rs147571776, gnomAD 0.04%), and has an allele count higher than expected for a pathogenic variant. This variant has not been reported in the literature in individuals affected with TBC1D8B-related conditions. An algorithm developed to predict the effect of missense changes on protein structure and function (PolyPhen-2) suggests that this variant is likely to be tolerated. In summary, the available evidence is currently insufficient to determine the role of this variant in disease. Therefore, it has been classified as a Variant of Uncertain Significance.

Blueprint Genetics
Classification: Likely benign. Last evaluated: 2024-08-06. Review status: criteria provided, single submitter. Criteria: ACMG Guidelines, 2015. Collection method: clinical testing. Allele origin: germline.

CeGaT Center for Human Genetics Tuebingen
Classification: Likely benign. Last evaluated: 2024-04-01. Review status: criteria provided, single submitter. Criteria: CeGaT Center For Human Genetics Tuebingen Variant Classification Criteria Version 2. Collection method: clinical testing. Allele origin: germline. Affected: yes. Observed: 1 variant allele.
Comment: TBC1D8B: BP4, BS2

NM_017752.3(TBC1D8B):c.3046A>C (p.Ile1016Leu)

Gene: TBC1D8B (TBC1 domain family member 8B; plus strand). Cytogenetic location: Xq22.3.
Variant type: single nucleotide variant.
Coding change: c.3046A>C on transcript NM_017752.3 (MANE Select); coding-DNA position 3046, A replaced by C.
Protein change: p.Ile1016Leu; replaces isoleucine 1016 with leucine.
Molecular consequence: missense variant.
Genome position (GRCh38, 1-based): chrX:106,873,648, A>C. VCF-style: chrX-106873648-A-C. GRCh37 (hg19) VCF-style: chrX-106116878-A-C.
Other names: c.3046A>C (NM_017752.2); short protein forms I1016L.
Identifiers: ClinVar variation 3234314 (VCV003234314.24), dbSNP rs147571776, ClinGen allele CA10483491.
Genomic context (GRCh38, chrX:106,873,648, plus strand): 5'-TCAAAGACCCTCTATAACTTATTTCATGAGGACCCTGAAGAAGAATCATTATATCAAGCC[A>C]TTGCTGTTGTAACCAGCCTTTTACTCAGGATGGAAGAAGTTGGAAGGAAACTACATAGCC-3'
Protein context (NP_060222.2, residues 1006-1026): DPEEESLYQA[Ile1016Leu]AVVTSLLLRM